The following is an entry in ClinVar:

NM_000020.3(ACVRL1):c.*2277A>T

Gene: ACVRL1 (activin A receptor like type 1; plus strand). Cytogenetic location: 12q13.13.
Variant type: single nucleotide variant.
Coding change: c.*2277A>T on transcript NM_000020.3 (MANE Select); 2277 bases downstream of the stop codon, A replaced by T.
Molecular consequence: 3 prime UTR variant.
Genome position (GRCh38, 1-based): chr12:51,923,170, A>T. VCF-style: chr12-51923170-A-T. GRCh37 (hg19) VCF-style: chr12-52316954-A-T.
Other names: c.*2277A>T (NM_001077401.2).
Identifiers: ClinVar variation 309479 (VCV000309479.36), dbSNP rs529631289, ClinGen allele CA10642721.

ClinVar aggregate classification (germline): Conflicting classifications of pathogenicity. Review status: criteria provided, conflicting classifications (1 of 4 stars). 2 submissions from 2 submitters: Uncertain significance (1); Likely benign (1). Last evaluated 2023-01-01.

Conditions:
Telangiectasia, hereditary hemorrhagic, type 2 (HHT2). Also called: ACVRL1-Related Hereditary Hemorrhagic Telangiectasia; Telangiectasia, hereditary hemorrhagic, type II. Identifiers: Orphanet 774, MedGen C1838163, MONDO:0010880, OMIM 600376. Disease mechanism: loss of function.

Allele frequency attached by ClinVar (database versions not stated): TOPMed 0.00044; gnomAD 0.00066 and 0.00069; gnomAD exomes 0.00488.
gnomAD v4.1: 101 of 152,706 alleles (0.066%); highest among the groups gnomAD compares: Non-Finnish European, 0.12%; 1 homozygote.

Submissions (2):

CeGaT Center for Human Genetics Tuebingen
Classification: Likely benign. Last evaluated: 2023-01-01. Review status: criteria provided, single submitter. Criteria: CeGaT Center For Human Genetics Tuebingen Variant Classification Criteria Version 2. Collection method: clinical testing. Allele origin: germline. Affected: yes. Observed: 7 variant alleles.
Comment: ACVRL1: BS1

Illumina Laboratory Services, Illumina
Classification: Uncertain significance for Telangiectasia, hereditary hemorrhagic, type 2. Last evaluated: 2018-01-12. Review status: criteria provided, single submitter. Criteria: ICSL Variant Classification Criteria 13 December 2019. Collection method: clinical testing. Allele origin: germline.